The following is an entry in ClinVar:

NM_024675.4(PALB2):c.3202-2_3207del

Gene: PALB2 (partner and localizer of BRCA2; minus strand). Cytogenetic location: 16p12.2.
Variant type: Deletion.
Coding change: c.3202-2_3207del on transcript NM_024675.4 (MANE Select); the canonical splice acceptor site of the intron before coding-DNA position 3202 through coding-DNA position 3207, 8 bases deleted (AGGGGCTT; older notation c.3202-2_3207delAGGGGCTT).
Molecular consequence: splice acceptor variant. On other transcripts: intron variant (8).
Genome position (GRCh38, 1-based): chr16:23,608,007-23,608,014, AAGCCCCT deleted on the plus strand (AGGGGCTT on the coding strand, the reverse complement: PALB2 is on the minus strand); deleting any 8 consecutive bases within chr16:23,608,007-23,608,016 gives the same sequence; the c. name uses the placement nearest the transcript's 3' end. VCF-style (leftmost placement, unchanged base first): chr16-23608006-GAAGCCCCT-G. GRCh37 (hg19) VCF-style: chr16-23619327-GAAGCCCCT-G.
Other names: c.2229-4345_2229-4338del (NM_001407308.1, NM_001407309.1); c.2317-2_2322del (NM_001407306.1, NM_001407305.1, NM_001407304.1); c.736-2_741del (NM_001407314.1); c.1414-4345_1414-4338del (NM_001407313.1); c.1414-2_1419del (NM_001407312.1); c.3142-2_3147del (NM_001407296.1); c.3130-2_3135del (NM_001407297.1); c.3040-4345_3040-4338del (NM_001407302.1); and 6 more.
Identifiers: ClinVar variation 2673840 (VCV002673840.1), dbSNP rs2506219403, ClinGen allele CA2695197599.
Genomic context (GRCh38, chr16:23,608,006, plus strand): 5'-ACACAGGGCTTCGCAACGACTCACTCTCTTTGGCACAGGGATGACTCAGGACAATAAAGA[GAAGCCCCT>G]AATTTCGGAGAAAAATAAATATCCCAAATAGACTGTCAAGAGTATGTCAGGAAAAATAAA-3'

ClinVar aggregate classification (germline): Likely pathogenic (1 of 4 stars; one submission).

Conditions:
Familial cancer of breast. Also called: Hereditary breast cancer; BREAST CANCER, FAMILIAL; hereditary breast carcinoma. Identifiers: Orphanet 227535, MedGen C0346153, MONDO:0016419, OMIM 114480. Disease mechanism: loss of function.

Submission:

Myriad Genetics, Inc.
Classification: Likely pathogenic for Familial cancer of breast. Last evaluated: 2023-09-14. Review status: criteria provided, single submitter. Criteria: Myriad Autosomal Dominant, Autosomal Recessive and X-Linked Classification Criteria (2023). Collection method: clinical testing. Allele origin: unknown.
Comment: This variant is considered likely pathogenic. This variant occurs within a consensus splice junction and is predicted to result in abnormal mRNA splicing of either an out-of-frame exon or an in-frame exon necessary for protein stability and/or normal function.